The following is an entry in ClinVar:

NM_005732.4(RAD50):c.1111_1246-215dup

Gene: RAD50 (RAD50 double strand break repair protein; plus strand). Cytogenetic location: 5q31.1.
Variant type: Duplication.
Coding change: c.1111_1246-215dup on transcript NM_005732.4 (MANE Select); coding-DNA position 1111 through 215 bases into the intron before coding-DNA position 1246, 671 bases duplicated.
Molecular consequence: splice donor variant.
Genome position (GRCh38, 1-based): chr5:132,588,746-132,589,416, 671 bases duplicated. GRCh37 (hg19): chr5:131,924,438-131,925,108.
Identifiers: ClinVar variation 1065542 (VCV001065542.1), dbSNP rs2149841088, ClinGen allele CA2499217570.

ClinVar aggregate classification (germline): Likely benign (1 of 4 stars; one submission).

Conditions:
Hereditary cancer-predisposing syndrome. Also called: Hereditary Cancer Syndrome; Hereditary neoplastic syndrome; Neoplastic Syndromes, Hereditary; Tumor predisposition. Identifiers: Orphanet 140162, MedGen C0027672, MeSH D009386, MONDO:0015356.

Submission:

Ambry Genetics
Classification: Likely benign for Hereditary cancer-predisposing syndrome. Last evaluated: 2020-02-14. Review status: criteria provided, single submitter. Criteria: Ambry Autosomal Dominant and X-Linked criteria (2/2020). Collection method: clinical testing. Allele origin: germline. Observed: 1 variant allele.
Comment: Gross duplications without strong evidence for pathogenic or benign;RNA Studies